The following is an entry in ClinVar:

NM_001009944.3(PKD1):c.679C>T (p.Gln227Ter)

Gene: PKD1 (polycystin 1, transient receptor potential channel interacting; minus strand). Cytogenetic location: 16p13.3.
Variant type: single nucleotide variant.
Coding change: c.679C>T on transcript NM_001009944.3 (MANE Select); coding-DNA position 679, C replaced by T.
Protein change: p.Gln227Ter; replaces glutamine 227 with a stop codon.
Molecular consequence: nonsense.
Genome position (GRCh38, 1-based): chr16:2,118,313, G>A on the plus strand (C>T on the coding strand, the complement: PKD1 is on the minus strand). VCF-style: chr16-2118313-G-A. GRCh37 (hg19) VCF-style: chr16-2168314-G-A.
Other names: c.679C>T, p.Gln227Ter (NM_000296.4); short protein forms Q227*.
Identifiers: ClinVar variation 3902590 (VCV003902590.1).

ClinVar aggregate classification (germline): Pathogenic (1 of 4 stars; one submission).

Conditions:
Polycystic kidney disease, adult type (PKD1). Also called: Polycystic Kidney Disease 1, Autosomal Dominant; Polycystic kidney disease 1; Polycystic kidney disease 1, severe; Polycystic Kidney, Autosomal Dominant; POLYCYSTIC KIDNEY DISEASE 1 WITH OR WITHOUT POLYCYSTIC LIVER DISEASE; POLYCYSTIC KIDNEY DISEASE, ADULT, TYPE I. Identifiers: MedGen C3149841, MONDO:0008263, OMIM 173900.

Submission:

Women's Health and Genetics/Laboratory Corporation of America, LabCorp
Classification: Pathogenic for Polycystic kidney disease, adult type. Last evaluated: 2025-05-01. Review status: criteria provided, single submitter. Criteria: LabCorp Variant Classification Summary - May 2015. Collection method: clinical testing. Allele origin: germline.
Comment: Variant summary: PKD1 c.679C>T (p.Gln227X) results in a premature termination codon, predicted to cause a truncation of the encoded protein or absence of the protein due to nonsense mediated decay, which are commonly known mechanisms for disease. Algorithms developed to predict the effect of missense changes on protein structure and function are either unavailable or do not agree on the potential impact of this missense change. The variant was absent in 135574 control chromosomes (gnomAD). c.679C>T has been observed in individuals affected with Polycystic Kidney Disease 1 (Rossetti_2001). These data indicate that the variant is likely to be associated with disease. To our knowledge, no experimental evidence demonstrating an impact on protein function has been reported. The following publication have been ascertained in the context of this evaluation (PMID: 11115377). No submitters have cited clinical-significance assessments for this variant to ClinVar. Based on the evidence outlined above, the variant was classified as pathogenic.

Literature cited by the submitters: PubMed 11115377.